The following is an entry in ClinVar:

ClinVar aggregate classification (germline): Pathogenic (1 of 4 stars; one submission).

Conditions:
Granulomatous disease, chronic, autosomal recessive, cytochrome b-negative. Also called: GRANULOMATOUS DISEASE, CHRONIC, AUTOSOMAL RECESSIVE, 4; Chronic granulomatous disease, autosomal, due to deficiency of CYBA; CGD DUE TO DEFICIENCY OF THE ALPHA SUBUNIT OF CYTOCHROME b; CGD, AUTOSOMAL RECESSIVE CYTOCHROME b-NEGATIVE; CYBA DEFICIENCY. Identifiers: Orphanet 379, MedGen C1856255, MONDO:0009308, OMIM 233690.

Submission:

Labcorp Genetics (formerly Invitae), Labcorp
Classification: Pathogenic for Granulomatous disease, chronic, autosomal recessive, cytochrome b-negative. Last evaluated: 2021-08-12. Review status: criteria provided, single submitter. Criteria: Invitae Variant Classification Sherloc (09022015). Collection method: clinical testing. Allele origin: germline.
Comment: This variant is a gross deletion of the genomic region encompassing exon(s) 6 of the CYBA gene, which includes the termination codon. This deletion extends beyond the assayed region for this gene and therefore may encompass additional genes. While this deletion is not anticipated to lead to nonsense mediated decay, it is expected to alter mRNA translation or result in a truncated protein product. A similar copy number variant has been observed in individual(s) with chronic granulomatous disease (PMID: 22924696, 31375816). In at least one individual the data is consistent with the variant being in trans (on the opposite chromosome) from a pathogenic variant. The region of the CYBA gene that includes exon(s) exon 6 has been determined to be clinically significant (PMID: 19292887, 22924696, 30470980). Therefore, deletions that encompass that region are likely to be disease-causing. For these reasons, this variant has been classified as Pathogenic.

Literature cited by the submitters: PubMed 22924696; PubMed 31375816; PubMed 19292887; PubMed 30470980.

NC_000016.10:g.(?_88643329)_(88643581_?)del

Gene: CYBA (cytochrome b-245 alpha chain; minus strand). Cytogenetic location: 16q24.3.
Variant type: Deletion.
Identifiers: ClinVar variation 830689 (VCV000830689.8).